The following is an entry in ClinVar:

ClinVar aggregate classification (germline): Uncertain significance (1 of 4 stars; one submission).

Submission:

Labcorp Genetics (formerly Invitae), Labcorp
Classification: Uncertain significance. Last evaluated: 2022-06-12. Review status: criteria provided, single submitter. Criteria: Invitae Variant Classification Sherloc (09022015). Collection method: clinical testing. Allele origin: germline.
Comment: This variant is not present in population databases (gnomAD no frequency). This sequence change replaces proline, which is neutral and non-polar, with alanine, which is neutral and non-polar, at codon 49 of the ZMYND11 protein (p.Pro49Ala). This variant has not been reported in the literature in individuals affected with ZMYND11-related conditions. In summary, the available evidence is currently insufficient to determine the role of this variant in disease. Therefore, it has been classified as a Variant of Uncertain Significance. Algorithms developed to predict the effect of missense changes on protein structure and function are either unavailable or do not agree on the potential impact of this missense change (SIFT: "Tolerated"; PolyPhen-2: "Probably Damaging"; Align-GVGD: "Class C0").

NM_001370100.5(ZMYND11):c.145C>G (p.Pro49Ala)

Gene: ZMYND11 (zinc finger MYND-type containing 11; plus strand). Cytogenetic location: 10p15.3.
Variant type: single nucleotide variant.
Coding change: c.145C>G on transcript NM_001370100.5 (MANE Select); coding-DNA position 145, C replaced by G.
Protein change: p.Pro49Ala; replaces proline 49 with alanine.
Molecular consequence: missense variant. On other transcripts: non-coding transcript variant (1), intron variant (1).
Genome position (GRCh38, 1-based): chr10:209,917, C>G. VCF-style: chr10-209917-C-G. GRCh37 (hg19) VCF-style: chr10-255857-C-G.
Other names: c.145C>G, p.Pro49Ala (NM_001161482.1, NM_001202464.3, NM_001202465.3 and 25 more transcripts); c.94C>G, p.Pro32Ala (NM_001330057.3, NM_001370112.2, NM_001370123.2); c.79C>G, p.Pro27Ala (NM_001370116.2, NM_001370120.2); c.25C>G, p.Pro9Ala (NM_001370118.2, NM_001370121.2); c.-33-26921C>G (NM_001370124.3); short protein forms P27A, P9A, P32A, P49A.
Identifiers: ClinVar variation 2069868 (VCV002069868.4), dbSNP rs2539336521, ClinGen allele CA375841853.